The following is an entry in ClinVar:

ClinVar aggregate classification (germline): Uncertain significance. Review status: criteria provided, multiple submitters, no conflicts (2 of 4 stars). 3 submissions from 3 submitters: Uncertain significance (3). Last evaluated 2024-01-16.

Conditions:
Inborn genetic diseases. Identifiers: MedGen C0950123, MeSH D030342.
Gillessen-Kaesbach-Nishimura syndrome (GIKANIS). Identifiers: MedGen C1849762, MONDO:0009890, OMIM 263210.
ALG9 congenital disorder of glycosylation (CDG1L). Also called: CONGENITAL DISORDER OF GLYCOSYLATION, TYPE Il; ALG9-CDG; CDG Il. Identifiers: Orphanet 79328, MedGen C2931006, MONDO:0012117, OMIM 608776.

Allele frequency attached by ClinVar (database versions not stated): gnomAD exomes 0.00001; ExAC 0.00003; ESP Exome Variant Server 0.00008.
gnomAD v4.1: 27 of 1,613,826 alleles (0.0017%); highest among the groups gnomAD compares: Non-Finnish European, 0.002%; no homozygotes.

Submissions (3):

Fulgent Genetics
Classification: Uncertain significance for Gillessen-Kaesbach-Nishimura syndrome; ALG9 congenital disorder of glycosylation. Last evaluated: 2024-01-16. Review status: criteria provided, single submitter. Criteria: ACMG Guidelines, 2015. Collection method: clinical testing. Allele origin: germline.

Ambry Genetics
Classification: Uncertain significance for Inborn genetic diseases. Last evaluated: 2023-03-03. Review status: criteria provided, single submitter. Criteria: Ambry Variant Classification Scheme 2023. Collection method: clinical testing. Allele origin: germline.

Labcorp Genetics (formerly Invitae), Labcorp
Classification: Uncertain significance for ALG9 congenital disorder of glycosylation. Last evaluated: 2022-03-19. Review status: criteria provided, single submitter. Criteria: Invitae Variant Classification Sherloc (09022015). Collection method: clinical testing. Allele origin: germline.
Comment: This sequence change replaces arginine, which is basic and polar, with glutamine, which is neutral and polar, at codon 607 of the ALG9 protein (p.Arg607Gln). This variant is present in population databases (rs373830702, gnomAD 0.007%). This variant has not been reported in the literature in individuals affected with ALG9-related conditions. Algorithms developed to predict the effect of sequence changes on RNA splicing suggest that this variant may create or strengthen a splice site. In summary, the available evidence is currently insufficient to determine the role of this variant in disease. Therefore, it has been classified as a Variant of Uncertain Significance.

NM_024740.2(ALG9):c.1820G>A (p.Arg607Gln)

Gene: ALG9 (ALG9 alpha-1,2-mannosyltransferase; minus strand). Cytogenetic location: 11q23.1.
Variant type: single nucleotide variant.
Coding change: c.1820G>A on transcript NM_024740.2 (MANE Select); coding-DNA position 1820, G replaced by A.
Protein change: p.Arg607Gln; replaces arginine 607 with glutamine.
Molecular consequence: missense variant. On other transcripts: 3 prime UTR variant (2), non-coding transcript variant (1).
Genome position (GRCh38, 1-based): chr11:111,786,434, C>T on the plus strand (G>A on the coding strand, the complement: ALG9 is on the minus strand). VCF-style: chr11-111786434-C-T. GRCh37 (hg19) VCF-style: chr11-111657158-C-T.
Other names: c.1799G>A, p.Arg600Gln (NM_001077690.1, NM_001352417.1); c.1307G>A, p.Arg436Gln (NM_001077691.2, NM_001352413.1, NM_001352414.2 and 1 more transcripts); c.1286G>A, p.Arg429Gln (NM_001077692.2, NM_001352409.1, NM_001352410.1 and 4 more transcripts); c.1676G>A, p.Arg559Gln (NM_001352418.1); c.*92G>A (NM_001352420.2); c.*86G>A (NM_001352421.2); c.1211G>A, p.Arg404Gln (NM_001352422.2); c.1163G>A, p.Arg388Gln (NM_001352423.2); short protein forms R388Q, R436Q, R429Q, R607Q, R404Q, R559Q, R600Q.
Identifiers: ClinVar variation 2140708 (VCV002140708.4), dbSNP rs373830702, ClinGen allele CA6274290.